The following is an entry in ClinVar:

NM_006662.3(SRCAP):c.8222C>T (p.Pro2741Leu)

Gene: SRCAP (Snf2 related CREBBP activator protein; plus strand). Cytogenetic location: 16p11.2.
Variant type: single nucleotide variant.
Coding change: c.8222C>T on transcript NM_006662.3 (MANE Select); coding-DNA position 8222, C replaced by T.
Protein change: p.Pro2741Leu; replaces proline 2741 with leucine.
Molecular consequence: missense variant.
Genome position (GRCh38, 1-based): chr16:30,738,262, C>T. VCF-style: chr16-30738262-C-T. GRCh37 (hg19) VCF-style: chr16-30749583-C-T.
Other names: short protein forms P2741L.
Identifiers: ClinVar variation 2637464 (VCV002637464.1), dbSNP rs2053180622, ClinGen allele CA395636664.

ClinVar aggregate classification (germline): Uncertain significance (1 of 4 stars; one submission).

gnomAD v4.1: 1 of 1,611,412 alleles (0.000062%); no homozygotes.

Submission:

Women's Health and Genetics/Laboratory Corporation of America, LabCorp
Classification: Uncertain significance. Last evaluated: 2023-10-25. Review status: criteria provided, single submitter. Criteria: LabCorp Variant Classification Summary - May 2015. Collection method: clinical testing. Allele origin: germline.
Comment: Variant summary: SRCAP c.8222C>T (p.Pro2741Leu) results in a non-conservative amino acid change in the encoded protein sequence. Three of five in-silico tools predict a damaging effect of the variant on protein function. The variant was absent in 248448 control chromosomes. The available data on variant occurrences in the general population are insufficient to allow any conclusion about variant significance. To our knowledge, no occurrence of c.8222C>T in individuals affected with Floating-Harbor Syndrome and no experimental evidence demonstrating its impact on protein function have been reported. No submitters have cited clinical-significance assessments for this variant to ClinVar after 2014. Based on the evidence outlined above, the variant was classified as uncertain significance.